The following is an entry in ClinVar:

ClinVar aggregate classification (germline): Pathogenic/Likely pathogenic. Review status: criteria provided, multiple submitters, no conflicts (2 of 4 stars). 5 submissions from 5 submitters: Pathogenic (3); Likely pathogenic (1). 1 of the submissions does not count toward it. Last evaluated 2025-08-05.

Conditions:
CFTR-related disorder (CFTR-RD). Also called: CFTR-related disorders; CFTR-related condition. Identifiers: MedGen C5924204, MONDO:7770004.
Bronchiectasis with or without elevated sweat chloride 1 (BESC1). Also called: Cystic Fibrosis-Like Syndrome. Identifiers: Orphanet 60033, MedGen C2749757, MONDO:0008887, OMIM 211400.
Cystic fibrosis (CF). Also called: MUCOVISCIDOSIS. Identifiers: Orphanet 586, MedGen C0010674, MONDO:0009061, OMIM 219700. Disease mechanism: loss of function.

Submissions (5):

Natera, Inc.
Classification: Pathogenic for CFTR-related disorders. Last evaluated: 2025-08-05. Review status: criteria provided, single submitter. Criteria: Natera Variant Classification Schema (03/2026). Collection method: clinical testing. Allele origin: germline.
Comment: The c.3469-2A>G variant in CFTR is a canonical splice acceptor site variant predicted to affect pre-mRNA splicing, which may result in an abnormal transcript and altered protein product. This variant is expected to result in nonsense mediated decay, truncation, or a dysfunctional protein product. This variant is rare in the general population with a frequency below the threshold expected for the associated phenotype(s). This variant has been observed in one or more individuals affected with the associated recessive disease, as either homozygous or compound heterozygous with a second variant (PMID: 7682196, 28546993, 39306074). Functional studies show that this variant may disrupt protein function (PMID: 33085659). Given the available evidence, this variant is classified as Pathogenic.

Baylor Genetics
Classification: Pathogenic for Bronchiectasis with or without elevated sweat chloride 1. Last evaluated: 2023-01-22. Review status: criteria provided, single submitter. Criteria: ACMG Guidelines, 2015. Collection method: clinical testing. Allele origin: unknown.

Institute of Human Genetics, University of Leipzig Medical Center
Classification: Likely pathogenic for Cystic fibrosis. Last evaluated: 2022-09-05. Review status: criteria provided, single submitter. Criteria: ACMG Guidelines, 2015. Collection method: curation. Allele origin: unknown. Affected: yes. Observed: 2 variant alleles.
Comment: This variant was identified in 2 unrelated patients with a clinically confirmed diagnosis of cystic fibrosis. The variant was classified in the context of a project re-classifying variants in the German Cystic Fibrosis Registry (Muko.e.V.). Criteria applied: PVS1_STR, PM2_SUP, PM3, PP4

Women's Health and Genetics/Laboratory Corporation of America, LabCorp
Classification: Pathogenic for Cystic fibrosis. Last evaluated: 2020-03-13. Review status: criteria provided, single submitter. Criteria: LabCorp Variant Classification Summary - May 2015. Collection method: clinical testing. Allele origin: germline.
Comment: Variant summary: CFTR c.3469-2A>G is located in a canonical splice-site and is predicted to affect mRNA splicing resulting in a significantly altered protein due to either exon skipping, shortening, or inclusion of intronic material. Several computational tools predict a significant impact on normal splicing: four predict the variant abolishes a 3' acceptor site. However, these predictions have yet to be confirmed by functional studies. The variant was absent in 250382 control chromosomes (gnomAD). c.3469-2A>G has been reported in the literature in homozygous- and compound heterozygous individuals affected with classic Cystic Fibrosis (Dork_1993, Behar_2017). These data indicate that the variant is likely to be associated with disease. To our knowledge, no experimental evidence demonstrating an impact on protein function has been reported. No clinical diagnostic laboratories have submitted clinical-significance assessments for this variant to ClinVar after 2014. Based on the evidence outlined above, the variant was classified as pathogenic.

ClinVar Staff, National Center for Biotechnology Information (NCBI)
No classification provided. Condition: CFTR-related disorders. Review status: no classification provided. Collection method: literature only. Allele origin: germline. Affected: yes. Not counted in ClinVar's aggregate classification.

Literature cited by the submitters: PubMed 7682196 (cited by Natera, Inc. and Women's Health and Genetics/Laboratory Corporation of America, LabCorp); PubMed 28546993 (cited by Natera, Inc. and Women's Health and Genetics/Laboratory Corporation of America, LabCorp); PubMed 39306074 (cited by Natera, Inc.); PubMed 33085659 (cited by Natera, Inc.); PubMed 18373402 (cited by Women's Health and Genetics/Laboratory Corporation of America, LabCorp and ClinVar Staff, National Center for Biotechnology Information (NCBI)).

NM_000492.4(CFTR):c.3469-2A>G

Genes: CFTR (CF transmembrane conductance regulator; plus strand), CFTR-AS2 (CFTR antisense RNA 2; minus strand). Cytogenetic location: 7q31.2.
Variant type: single nucleotide variant.
Coding change: c.3469-2A>G on transcript NM_000492.4 (MANE Select); the canonical splice acceptor site of the intron before coding-DNA position 3469, A replaced by G.
Molecular consequence: splice acceptor variant.
Genome position (GRCh38, 1-based): chr7:117,627,520, A>G. VCF-style: chr7-117627520-A-G. GRCh37 (hg19) VCF-style: chr7-117267574-A-G.
Other names: 3601-2A->G.
Identifiers: ClinVar variation 53752 (VCV000053752.6), dbSNP rs397508570, ClinGen allele CA327201.